The following is an entry in ClinVar:

NM_013275.6(ANKRD11):c.4378_4382del (p.Lys1460fs)

Gene: ANKRD11 (ankyrin repeat domain 11; minus strand). Cytogenetic location: 16q24.3.
Variant type: Deletion.
Coding change: c.4378_4382del on transcript NM_013275.6 (MANE Select); coding-DNA positions 4378 to 4382, 5 bases deleted (AAGAA; older notation c.4378_4382delAAGAA).
Protein change: p.Lys1460fs; shifts the reading frame from lysine 1460.
Molecular consequence: frameshift variant.
Genome position (GRCh38, 1-based): chr16:89,282,160-89,282,164, TTCTT deleted on the plus strand (AAGAA on the coding strand, the reverse complement: ANKRD11 is on the minus strand). VCF-style (leftmost placement, unchanged base first): chr16-89282159-CTTCTT-C. GRCh37 (hg19) VCF-style: chr16-89348567-CTTCTT-C.
Other names: c.4378_4382del, p.Lys1460fs (NM_001256182.2, NM_001256183.2); short protein forms K1460fs.
Identifiers: ClinVar variation 4734517 (VCV004734517.1).

ClinVar aggregate classification (germline): Pathogenic (1 of 4 stars; one submission).

Conditions:
KBG syndrome (KBGS). Also called: ANKRD11-Related KBG Syndrome. Identifiers: Orphanet 2332, MedGen C0220687, MONDO:0007846, OMIM 148050.

Submission:

Labcorp Genetics (formerly Invitae), Labcorp
Classification: Pathogenic for KBG syndrome. Last evaluated: 2026-01-08. Review status: criteria provided, single submitter. Criteria: Invitae Variant Classification Sherloc (09022015). Collection method: clinical testing. Allele origin: germline.
Comment: This sequence change creates a premature translational stop signal (p.Lys1460Glufs*92) in the ANKRD11 gene. It is expected to result in an absent or disrupted protein product. Loss-of-function variants in ANKRD11 are known to be pathogenic (PMID: 21782149, 25125236, 25413698, 25652421). This variant is not present in population databases (gnomAD no frequency). This variant has not been reported in the literature in individuals affected with ANKRD11-related conditions. For these reasons, this variant has been classified as Pathogenic.

Literature cited by the submitters: PubMed 21782149; PubMed 25125236; PubMed 25413698; PubMed 25652421.